The following is an entry in ClinVar:

ClinVar aggregate classification (germline): Conflicting classifications of pathogenicity. Review status: criteria provided, conflicting classifications (1 of 4 stars). 3 submissions from 3 submitters: Uncertain significance (2); Likely benign (1). Last evaluated 2025-09-16.

Conditions:
Inborn genetic diseases. Identifiers: MedGen C0950123, MeSH D030342.
Charcot-Marie-Tooth disease axonal type 2Z. Also called: CHARCOT-MARIE-TOOTH DISEASE, AXONAL, AUTOSOMAL DOMINANT, TYPE 2Z; CHARCOT-MARIE-TOOTH NEUROPATHY, TYPE 2Z. Identifiers: Orphanet 466768, MedGen C5569025, MONDO:0014736, OMIM 616688.

Allele frequency attached by ClinVar (database versions not stated): gnomAD exomes 0.00004; ESP Exome Variant Server 0.00015; gnomAD 0.00006; ExAC 0.00005; TOPMed 0.00006.

Submissions (3):

Labcorp Genetics (formerly Invitae), Labcorp
Classification: Uncertain significance for Charcot-Marie-Tooth disease axonal type 2Z. Last evaluated: 2025-09-16. Review status: criteria provided, single submitter. Criteria: Invitae Variant Classification Sherloc (09022015). Collection method: clinical testing. Allele origin: germline.
Comment: This sequence change replaces lysine, which is basic and polar, with asparagine, which is neutral and polar, at codon 86 of the MORC2 protein (p.Lys86Asn). This variant is present in population databases (rs150980372, gnomAD 0.01%). This variant has not been reported in the literature in individuals affected with MORC2-related conditions. ClinVar contains an entry for this variant (Variation ID: 542284). Invitae Evidence Modeling of protein sequence and biophysical properties (such as structural, functional, and spatial information, amino acid conservation, physicochemical variation, residue mobility, and thermodynamic stability) indicates that this missense variant is expected to disrupt MORC2 protein function with a positive predictive value of 95%. In summary, the available evidence is currently insufficient to determine the role of this variant in disease. Therefore, it has been classified as a Variant of Uncertain Significance.

GeneDx
Classification: Uncertain significance. Last evaluated: 2025-03-06. Review status: criteria provided, single submitter. Criteria: GeneDx Variant Classification Process June 2021. Collection method: clinical testing. Allele origin: germline.
Comment: In silico analysis supports that this missense variant has a deleterious effect on protein structure/function; Has not been previously published as pathogenic or benign in association with a MORC2-related neurodevelopmental and neuropathy spectrum disorder to our knowledge; This variant is associated with the following publications: (PMID: 26740555, 28404951, 28719003)

Ambry Genetics
Classification: Likely benign for Inborn genetic diseases. Last evaluated: 2022-09-14. Review status: criteria provided, single submitter. Criteria: Ambry Variant Classification Scheme 2023. Collection method: clinical testing. Allele origin: germline.

NM_001303256.3(MORC2):c.258G>C (p.Lys86Asn)

Gene: MORC2 (MORC family CW-type zinc finger 2; minus strand). Cytogenetic location: 22q12.2.
Variant type: single nucleotide variant.
Coding change: c.258G>C on transcript NM_001303256.3 (MANE Select); coding-DNA position 258, G replaced by C.
Protein change: p.Lys86Asn; replaces lysine 86 with asparagine.
Molecular consequence: missense variant.
Genome position (GRCh38, 1-based): chr22:30,949,811, C>G on the plus strand (G>C on the coding strand, the complement: MORC2 is on the minus strand). VCF-style: chr22-30949811-C-G. GRCh37 (hg19) VCF-style: chr22-31345797-C-G.
Other names: c.258G>C, p.Lys86Asn (NM_001303257.2); c.72G>C, p.Lys24Asn (NM_014941.3); short protein forms K86N, K24N.
Identifiers: ClinVar variation 542284 (VCV000542284.14), dbSNP rs150980372, ClinGen allele CA10187301.